The following is an entry in ClinVar:

ClinVar aggregate classification (germline): Likely benign. Review status: criteria provided, multiple submitters, no conflicts (2 of 4 stars). 2 submissions from 2 submitters: Likely benign (2). Last evaluated 2025-08-01.

Conditions:
Hereditary cancer-predisposing syndrome. Also called: Hereditary neoplastic syndrome; Neoplastic Syndromes, Hereditary; Tumor predisposition; Hereditary Cancer Syndrome. Identifiers: Orphanet 140162, MedGen C0027672, MeSH D009386, MONDO:0015356.

Submissions (2):

CeGaT Center for Human Genetics Tuebingen
Classification: Likely benign. Last evaluated: 2025-08-01. Review status: criteria provided, single submitter. Criteria: CeGaT Center For Human Genetics Tuebingen Variant Classification Criteria Version 2. Collection method: clinical testing. Allele origin: germline. Affected: yes. Observed: 1 variant allele.
Comment: SUFU: PM2:Supporting, BP4, BP7

Ambry Genetics
Classification: Likely benign for Hereditary cancer-predisposing syndrome. Last evaluated: 2021-11-25. Review status: criteria provided, single submitter. Criteria: Ambry Variant Classification Scheme 2023. Collection method: clinical testing. Allele origin: germline.

NM_016169.4(SUFU):c.786T>C (p.Asp262=)

Gene: SUFU (SUFU negative regulator of hedgehog signaling; plus strand). Cytogenetic location: 10q24.32.
Variant type: single nucleotide variant.
Coding change: c.786T>C on transcript NM_016169.4 (MANE Select); coding-DNA position 786, T replaced by C.
Protein change: p.Asp262=; no amino-acid change (aspartic acid 262 retained).
Molecular consequence: synonymous variant.
Genome position (GRCh38, 1-based): chr10:102,597,169, T>C. VCF-style: chr10-102597169-T-C. GRCh37 (hg19) VCF-style: chr10-104356926-T-C.
Other names: c.786T>C, p.Asp262= (NM_001178133.2).
Identifiers: ClinVar variation 1760965 (VCV001760965.10), dbSNP rs2545094032, ClinGen allele CA471299591.